The following is an entry in ClinVar:

ClinVar aggregate classification (germline): Benign (1 of 4 stars; one submission).

Allele frequency attached by ClinVar (database versions not stated): 1000 Genomes Project 30x 0.00187; 1000 Genomes Project 0.00220; ESP Exome Variant Server 0.00374; TOPMed 0.00388; ExAC 0.00473; gnomAD exomes 0.00576.
gnomAD v4.1: 8,619 of 1,541,390 alleles (0.56%); highest among the groups gnomAD compares: Non-Finnish European, 0.64%; 31 homozygotes.

Submission:

CeGaT Center for Human Genetics Tuebingen
Classification: Benign. Last evaluated: 2022-08-01. Review status: criteria provided, single submitter. Criteria: CeGaT Center For Human Genetics Tuebingen Variant Classification Criteria Version 2. Collection method: clinical testing. Allele origin: germline. Affected: yes. Observed: 1 variant allele.
Comment: IFNLR1: BP4, BP7, BS1, BS2

NM_170743.4(IFNLR1):c.411G>A (p.Glu137=)

Gene: IFNLR1 (interferon lambda receptor 1; minus strand). Cytogenetic location: 1p36.11.
Variant type: single nucleotide variant.
Coding change: c.411G>A on transcript NM_170743.4 (MANE Select); coding-DNA position 411, G replaced by A.
Protein change: p.Glu137=; no amino-acid change (glutamic acid 137 retained).
Molecular consequence: synonymous variant.
Genome position (GRCh38, 1-based): chr1:24,161,641, C>T on the plus strand (G>A on the coding strand, the complement: IFNLR1 is on the minus strand). VCF-style: chr1-24161641-C-T. GRCh37 (hg19) VCF-style: chr1-24488131-C-T.
Other names: c.411G>A, p.Glu137= (NM_173064.3, NM_173065.3).
Identifiers: ClinVar variation 2638494 (VCV002638494.24), dbSNP rs148521759, ClinGen allele CA689621.